The following is an entry in ClinVar:

ClinVar aggregate classification (germline): Uncertain significance (1 of 4 stars; one submission).

Submission:

Labcorp Genetics (formerly Invitae), Labcorp
Classification: Uncertain significance. Last evaluated: 2023-03-14. Review status: criteria provided, single submitter. Criteria: Invitae Variant Classification Sherloc (09022015). Collection method: clinical testing. Allele origin: germline.
Comment: In summary, the available evidence is currently insufficient to determine the role of this variant in disease. Therefore, it has been classified as a Variant of Uncertain Significance. Algorithms developed to predict the effect of sequence changes on RNA splicing suggest that this variant may disrupt the consensus splice site. Algorithms developed to predict the effect of missense changes on protein structure and function output the following: SIFT: "Not Available"; PolyPhen-2: "Probably Damaging"; Align-GVGD: "Not Available". The cysteine amino acid residue is found in multiple mammalian species, which suggests that this missense change does not adversely affect protein function. This variant has not been reported in the literature in individuals affected with MS4A1-related conditions. This variant is not present in population databases (gnomAD no frequency). This sequence change replaces phenylalanine, which is neutral and non-polar, with cysteine, which is neutral and slightly polar, at codon 203 of the MS4A1 protein (p.Phe203Cys).

NM_152866.3(MS4A1):c.608T>G (p.Phe203Cys)

Gene: MS4A1 (membrane spanning 4-domains A1; plus strand). Cytogenetic location: 11q12.2.
Variant type: single nucleotide variant.
Coding change: c.608T>G on transcript NM_152866.3 (MANE Select); coding-DNA position 608, T replaced by G.
Protein change: p.Phe203Cys; replaces phenylalanine 203 with cysteine.
Molecular consequence: missense variant.
Genome position (GRCh38, 1-based): chr11:60,466,993, T>G. VCF-style: chr11-60466993-T-G. GRCh37 (hg19) VCF-style: chr11-60234466-T-G.
Other names: c.608T>G, p.Phe203Cys (NM_021950.4, NM_152867.2); short protein forms F203C.
Identifiers: ClinVar variation 2845830 (VCV002845830.3), dbSNP rs2495413906, ClinGen allele CA380600374.
Genomic context (GRCh38, chr11:60,466,993, plus strand): 5'-ACCTTCATTCTTCTGTTGTTTTTCAGGGCATTTTGTCAGTGATGCTGATCTTTGCCTTCT[T>G]CCAGGAACTTGTAATAGCTGGCATCGTTGAGAATGAATGGAAAAGAACGTGCTCCAGACC-3'
Protein context (NP_690605.1, residues 193-213): ILSVMLIFAF[Phe203Cys]QELVIAGIVE